The following is an entry in ClinVar:

ClinVar aggregate classification (germline): Uncertain significance (1 of 4 stars; one submission).

Allele frequency attached by ClinVar (database versions not stated): gnomAD 0.00005; gnomAD exomes 0.00005; ExAC 0.00006; TOPMed 0.00006.
gnomAD v4.1: 88 of 1,605,552 alleles (0.0055%); highest among the groups gnomAD compares: Non-Finnish European, 0.0067%; no homozygotes.

Submission:

Labcorp Genetics (formerly Invitae), Labcorp
Classification: Uncertain significance. Last evaluated: 2025-12-16. Review status: criteria provided, single submitter. Criteria: Invitae Variant Classification Sherloc (09022015). Collection method: clinical testing. Allele origin: germline.
Comment: This sequence change replaces alanine, which is neutral and non-polar, with threonine, which is neutral and polar, at codon 269 of the PCK2 protein (p.Ala269Thr). This variant is present in population databases (rs754703826, gnomAD 0.009%). This variant has not been reported in the literature in individuals affected with PCK2-related conditions. ClinVar contains an entry for this variant (Variation ID: 2194727). Invitae Evidence Modeling of protein sequence and biophysical properties (such as structural, functional, and spatial information, amino acid conservation, physicochemical variation, residue mobility, and thermodynamic stability) has been performed for this missense variant. However, the output from this modeling did not meet the statistical confidence thresholds required to predict the impact of this variant on PCK2 protein function. In summary, the available evidence is currently insufficient to determine the role of this variant in disease. Therefore, it has been classified as a Variant of Uncertain Significance.

NM_004563.4(PCK2):c.805G>A (p.Ala269Thr)

Genes: NRL (neural retina leucine zipper; minus strand), PCK2 (phosphoenolpyruvate carboxykinase 2, mitochondrial; plus strand). Cytogenetic location: 14q11.2.
Variant type: single nucleotide variant.
Coding change: c.805G>A on transcript NM_004563.4 (MANE Select); coding-DNA position 805, G replaced by A.
Protein change: p.Ala269Thr; replaces alanine 269 with threonine.
Molecular consequence: missense variant. On other transcripts: intron variant (3).
Genome position (GRCh38, 1-based): chr14:24,099,189, G>A. VCF-style: chr14-24099189-G-A. GRCh37 (hg19) VCF-style: chr14-24568398-G-A.
Other names: c.805G>A, p.Ala269Thr (NM_001018073.3); c.403G>A, p.Ala135Thr (NM_001291556.2, NM_001308054.2); c.-28+15533C>T (NM_001354768.3, NM_001354770.2); c.-253-14444C>T (NM_006177.5); short protein forms A135T, A269T.
Identifiers: ClinVar variation 2194727 (VCV002194727.4), dbSNP rs754703826, ClinGen allele CA7123235.
Genomic context (GRCh38, chr14:24,099,189, plus strand): 5'-TTCGGCAGCGGCTATGGTGGCAACTCCCTGCTGGGCAAGAAGTGCTTTGCCCTACGCATC[G>A]CCTCTCGGCTGGCCCGGGATGAGGGCTGGCTGGCAGAGCACATGCTGGTGAGGGCCTGGT-3'
Protein context (NP_004554.3, residues 259-279): LGKKCFALRI[Ala269Thr]SRLARDEGWL